The following is an entry in ClinVar:

NM_004211.5(SLC6A5):c.1663A>C (p.Thr555Pro)

Gene: SLC6A5 (solute carrier family 6 member 5; plus strand). Cytogenetic location: 11p15.1.
Variant type: single nucleotide variant.
Coding change: c.1663A>C on transcript NM_004211.5 (MANE Select); coding-DNA position 1663, A replaced by C.
Protein change: p.Thr555Pro; replaces threonine 555 with proline.
Molecular consequence: missense variant.
Genome position (GRCh38, 1-based): chr11:20,636,345, A>C. VCF-style: chr11-20636345-A-C. GRCh37 (hg19) VCF-style: chr11-20657891-A-C.
Other names: c.961A>C, p.Thr321Pro (NM_001318369.2); short protein forms T321P, T555P.
Identifiers: ClinVar variation 2145271 (VCV002145271.1), dbSNP rs752901723, ClinGen allele CA5921545.

ClinVar aggregate classification (germline): Uncertain significance (1 of 4 stars; one submission).

Conditions:
Hyperekplexia 3 (HKPX3). Also called: HYPEREKPLEXIA 3, AUTOSOMAL RECESSIVE; HYPEREKPLEXIA 3, AUTOSOMAL DOMINANT. Identifiers: Orphanet 3197, MedGen C3553288, MONDO:0013827, OMIM 614618.

Allele frequency attached by ClinVar (database versions not stated): gnomAD exomes below 0.00001; TOPMed below 0.00001; ExAC 0.00001; gnomAD 0.00002.
gnomAD v4.1: 8 of 1,613,698 alleles (0.0005%); highest among the groups gnomAD compares: East Asian, 0.018%; no homozygotes.

Submission:

Labcorp Genetics (formerly Invitae), Labcorp
Classification: Uncertain significance for Hyperekplexia 3. Last evaluated: 2022-02-12. Review status: criteria provided, single submitter. Criteria: Invitae Variant Classification Sherloc (09022015). Collection method: clinical testing. Allele origin: germline.
Comment: This sequence change replaces threonine, which is neutral and polar, with proline, which is neutral and non-polar, at codon 555 of the SLC6A5 protein (p.Thr555Pro). This variant is present in population databases (rs752901723, gnomAD 0.03%). This variant has not been reported in the literature in individuals affected with SLC6A5-related conditions. Advanced modeling of protein sequence and biophysical properties (such as structural, functional, and spatial information, amino acid conservation, physicochemical variation, residue mobility, and thermodynamic stability) performed at Invitae indicates that this missense variant is expected to disrupt SLC6A5 protein function. In summary, the available evidence is currently insufficient to determine the role of this variant in disease. Therefore, it has been classified as a Variant of Uncertain Significance.